The following is an entry in ClinVar:

ClinVar aggregate classification (germline): Uncertain significance (1 of 4 stars; one submission).

Conditions:
COL18A1-related disorder. Also called: COL18A1-related disorders; COL18A1-related condition.

gnomAD v4.1: 28 of 1,539,288 alleles (0.0018%); highest among the groups gnomAD compares: Non-Finnish European, 0.0023%; no homozygotes.

Submission:

PreventionGenetics, part of Exact Sciences
Classification: Uncertain significance for COL18A1-related condition. Last evaluated: 2026-03-16. Review status: criteria provided, single submitter. Criteria: ACMG Guidelines, 2015. Collection method: clinical testing. Allele origin: germline.
Comment: The COL18A1 c.1220C>T variant is predicted to result in the amino acid substitution p.Pro407Leu. To our knowledge, this variant has not been reported in the literature. This variant is reported in 0.0042% of alleles in individuals of European (Non-Finnish) descent in gnomAD. At this time, the clinical significance of this variant is uncertain due to the absence of conclusive functional and genetic evidence.

NM_001379500.1(COL18A1):c.107-11492C>T

Gene: COL18A1 (collagen type XVIII alpha 1 chain; plus strand). Cytogenetic location: 21q22.3.
Variant type: single nucleotide variant.
Coding change: c.107-11492C>T on transcript NM_001379500.1 (MANE Select); 11492 bases into the intron before coding-DNA position 107, C replaced by T.
Molecular consequence: intron variant. On other transcripts: missense variant (1).
Genome position (GRCh38, 1-based): chr21:45,456,750, C>T. VCF-style: chr21-45456750-C-T. GRCh37 (hg19) VCF-style: chr21-46876664-C-T.
Other names: c.1220C>T, p.Pro407Leu (NM_130444.3); c.646+574C>T (NM_030582.4); short protein forms P407L.
Identifiers: ClinVar variation 4989584 (VCV004989584.1).